The following is an entry in ClinVar:

NM_000540.3(RYR1):c.8625A>G (p.Ala2875=)

Gene: RYR1 (ryanodine receptor 1; plus strand). Cytogenetic location: 19q13.2.
Variant type: single nucleotide variant.
Coding change: c.8625A>G on transcript NM_000540.3 (MANE Select); coding-DNA position 8625, A replaced by G.
Protein change: p.Ala2875=; no amino-acid change (alanine 2875 retained).
Molecular consequence: synonymous variant.
Genome position (GRCh38, 1-based): chr19:38,506,479, A>G. VCF-style: chr19-38506479-A-G. GRCh37 (hg19) VCF-style: chr19-38997119-A-G.
Other names: c.8625A>G, p.Ala2875= (NM_001042723.2).
Identifiers: ClinVar variation 1124540 (VCV001124540.11), dbSNP rs1412201176, ClinGen allele CA507245321.

ClinVar aggregate classification (germline): Likely benign. Review status: criteria provided, multiple submitters, no conflicts (2 of 4 stars). 2 submissions from 2 submitters: Likely benign (2). Last evaluated 2024-03-24.

Conditions:
RYR1-related disorder. Also called: RYR1-related condition; RYR1-related disorders. Identifiers: MedGen CN239331.
Malignant hyperthermia, susceptibility to, 1 (MHS1). Also called: Anesthesia related hyperthermia; Malignant hyperpyrexia; Fulminating hyperpyrexia; Pharmacogenic myopathy; Malignant hyperthermia suceptibility 1; RYR1-Related Malignant Hyperthermia Susceptibility. Identifiers: Orphanet 423, MedGen C2930980, MONDO:0007783, OMIM 145600.

Allele frequency attached by ClinVar (database versions not stated): gnomAD 0.00001; gnomAD exomes 0.00001.
gnomAD v4.1: 12 of 1,614,012 alleles (0.00074%); highest among the groups gnomAD compares: Admixed American, 0.0017%; no homozygotes.

Submissions (2):

All of Us Research Program, National Institutes of Health
Classification: Likely benign for Malignant hyperthermia, susceptibility to, 1. Last evaluated: 2024-03-24. Review status: criteria provided, single submitter. Criteria: ACMG Guidelines, 2015. Collection method: clinical testing. Allele origin: germline. Inheritance: Autosomal dominant inheritance. Observed: 5 variant alleles, 5 heterozygotes.
Comment: This study involves interpretation of variants in research participants for the purpose of population health screening. Participant phenotype was not available at the time of variant classification. Additional details can be found in publication PMID: 35346344, PMCID: PMC8962531

Labcorp Genetics (formerly Invitae), Labcorp
Classification: Likely benign for RYR1-related disorder. Last evaluated: 2023-11-02. Review status: criteria provided, single submitter. Criteria: Invitae Variant Classification Sherloc (09022015). Collection method: clinical testing. Allele origin: germline.